The following is an entry in ClinVar:

ClinVar aggregate classification (germline): Uncertain significance. Review status: criteria provided, multiple submitters, no conflicts (2 of 4 stars). 2 submissions from 2 submitters: Uncertain significance (2). Last evaluated 2024-12-04.

Conditions:
Inborn genetic diseases. Identifiers: MedGen C0950123, MeSH D030342.

Allele frequency attached by ClinVar (database versions not stated): gnomAD exomes below 0.00001; gnomAD 0.00001; ExAC 0.00004.
gnomAD v4.1: 6 of 1,613,750 alleles (0.00037%); highest among the groups gnomAD compares: East Asian, 0.013%; no homozygotes.

Submissions (2):

Ambry Genetics
Classification: Uncertain significance for Inborn genetic diseases. Last evaluated: 2024-12-04. Review status: criteria provided, single submitter. Criteria: Ambry Variant Classification Scheme 2023. Collection method: clinical testing. Allele origin: germline.
Comment: The p.E888K variant (also known as c.2662G>A), located in coding exon 11 of the MECOM gene, results from a G to A substitution at nucleotide position 2662. The glutamic acid at codon 888 is replaced by lysine, an amino acid with similar properties. This amino acid position is conserved. In addition, this alteration is predicted to be tolerated by in silico analysis. Based on the available evidence, the clinical significance of this variant remains unclear.

Labcorp Genetics (formerly Invitae), Labcorp
Classification: Uncertain significance. Last evaluated: 2023-06-04. Review status: criteria provided, single submitter. Criteria: Invitae Variant Classification Sherloc (09022015). Collection method: clinical testing. Allele origin: germline.
Comment: This sequence change replaces glutamic acid, which is acidic and polar, with lysine, which is basic and polar, at codon 700 of the MECOM protein (p.Glu700Lys). This variant is present in population databases (rs770264557, gnomAD 0.05%). This variant has not been reported in the literature in individuals affected with MECOM-related conditions. An algorithm developed to predict the effect of missense changes on protein structure and function (PolyPhen-2) suggests that this variant is likely to be tolerated. In summary, the available evidence is currently insufficient to determine the role of this variant in disease. Therefore, it has been classified as a Variant of Uncertain Significance.

NM_004991.4(MECOM):c.2662G>A (p.Glu888Lys)

Gene: MECOM (MDS1 and EVI1 complex locus; minus strand). Cytogenetic location: 3q26.2.
Variant type: single nucleotide variant.
Coding change: c.2662G>A on transcript NM_004991.4 (MANE Select); coding-DNA position 2662, G replaced by A.
Protein change: p.Glu888Lys; replaces glutamic acid 888 with lysine.
Molecular consequence: missense variant.
Genome position (GRCh38, 1-based): chr3:169,102,169, C>T on the plus strand (G>A on the coding strand, the complement: MECOM is on the minus strand). VCF-style: chr3-169102169-C-T. GRCh37 (hg19) VCF-style: chr3-168819957-C-T.
Other names: c.2074G>A, p.Glu692Lys (NM_001163999.2, NM_001366470.2); c.2071G>A, p.Glu691Lys (NM_001164000.2, NM_001366471.2, NM_001366472.2); c.2098G>A, p.Glu700Lys (NM_001205194.2, NM_001366469.2, NM_005241.4 and 1 more transcripts); c.2635G>A, p.Glu879Lys (NM_001366466.2); c.2101G>A, p.Glu701Lys (NM_001366467.2, NM_001366468.2); c.1663G>A, p.Glu555Lys (NM_001366473.2); c.1099G>A, p.Glu367Lys (NM_001366474.2); c.2293G>A, p.Glu765Lys (NM_001105077.4); short protein forms E888K, E367K, E555K, E691K, E765K, E700K, E879K, E692K.
Identifiers: ClinVar variation 2509542 (VCV002509542.6), dbSNP rs770264557, ClinGen allele CA2696073.